The following is an entry in ClinVar:

NM_130384.3(ATRIP):c.1056-2A>T

Genes: ATRIP (ATR interacting protein; plus strand), ATRIP-TREX1 (ATRIP-TREX1 readthrough; plus strand). Cytogenetic location: 3p21.31.
Variant type: single nucleotide variant.
Coding change: c.1056-2A>T on transcript NM_130384.3 (MANE Select); the canonical splice acceptor site of the intron before coding-DNA position 1056, A replaced by T.
Molecular consequence: splice acceptor variant.
Genome position (GRCh38, 1-based): chr3:48,460,108, A>T. VCF-style: chr3-48460108-A-T. GRCh37 (hg19) VCF-style: chr3-48501507-A-T.
Other names: c.1056-2A>T (NM_032166.4); c.675-2A>T (NM_001271022.2); c.777-2A>T (NM_001271023.2).
Identifiers: ClinVar variation 3809366 (VCV003809366.1).

ClinVar aggregate classification (germline): Uncertain significance (1 of 4 stars; one submission).

Submission:

Ambry Genetics
Classification: Uncertain significance. Last evaluated: 2025-01-15. Review status: criteria provided, single submitter. Criteria: Ambry Variant Classification Scheme 2023. Collection method: clinical testing. Allele origin: germline.
Comment: The c.1056-2A>T intronic variant results from an A to T substitution two nucleotides upstream from coding exon 8 in the ATRIP gene. This nucleotide position is highly conserved in available vertebrate species. In silico splice site analysis predicts that this alteration will weaken the native splice acceptor site and may result in the creation or strengthening of a novel splice acceptor site. The evidence for this gene-disease relationship is limited; therefore, the clinical significance of this alteration is unclear.